The following is an entry in ClinVar:

ClinVar aggregate classification (germline): Uncertain significance (1 of 4 stars; one submission).

Allele frequency attached by ClinVar (database versions not stated): ExAC 0.00005; TOPMed 0.00006; gnomAD 0.00005; 1000 Genomes Project 0.00020; 1000 Genomes Project 30x 0.00031.
gnomAD v4.1: 114 of 1,612,430 alleles (0.0071%); highest among the groups gnomAD compares: Middle Eastern, 0.033%; no homozygotes.

Submission:

Labcorp Genetics (formerly Invitae), Labcorp
Classification: Uncertain significance. Last evaluated: 2025-10-01. Review status: criteria provided, single submitter. Criteria: Invitae Variant Classification Sherloc (09022015). Collection method: clinical testing. Allele origin: germline.
Comment: This sequence change replaces arginine, which is basic and polar, with histidine, which is basic and polar, at codon 166 of the FBN3 protein (p.Arg166His). This variant is present in population databases (rs138335657, gnomAD 0.01%). This variant has not been reported in the literature in individuals affected with FBN3-related conditions. ClinVar contains an entry for this variant (Variation ID: 2885570). An algorithm developed to predict the effect of missense changes on protein structure and function outputs the following: PolyPhen-2: "Benign". The histidine amino acid residue is found in multiple mammalian species, which suggests that this missense change does not adversely affect protein function. In summary, the available evidence is currently insufficient to determine the role of this variant in disease. Therefore, it has been classified as a Variant of Uncertain Significance.

NM_032447.5(FBN3):c.497G>A (p.Arg166His)

Gene: FBN3 (fibrillin 3; minus strand). Cytogenetic location: 19p13.2.
Variant type: single nucleotide variant.
Coding change: c.497G>A on transcript NM_032447.5 (MANE Select); coding-DNA position 497, G replaced by A.
Protein change: p.Arg166His; replaces arginine 166 with histidine.
Molecular consequence: missense variant.
Genome position (GRCh38, 1-based): chr19:8,144,921, C>T on the plus strand (G>A on the coding strand, the complement: FBN3 is on the minus strand). VCF-style: chr19-8144921-C-T. GRCh37 (hg19) VCF-style: chr19-8209805-C-T.
Other names: c.497G>A, p.Arg166His (NM_001321431.2); short protein forms R166H.
Identifiers: ClinVar variation 2885570 (VCV002885570.3), dbSNP rs138335657, ClinGen allele CA9153700.